The following is an entry in ClinVar:

NM_004415.4(DSP):c.4478A>C (p.Glu1493Ala)

Gene: DSP (desmoplakin; plus strand). Cytogenetic location: 6p24.3.
Variant type: single nucleotide variant.
Coding change: c.4478A>C on transcript NM_004415.4 (MANE Select); coding-DNA position 4478, A replaced by C.
Protein change: p.Glu1493Ala; replaces glutamic acid 1493 with alanine.
Molecular consequence: missense variant. On other transcripts: intron variant (2).
Genome position (GRCh38, 1-based): chr6:7,580,668, A>C. VCF-style: chr6-7580668-A-C. GRCh37 (hg19) VCF-style: chr6-7580901-A-C.
Other names: c.4050+428A>C (NM_001319034.2); c.3582+896A>C (NM_001008844.3); short protein forms E1493A.
Identifiers: ClinVar variation 228641 (VCV000228641.22), dbSNP rs760433367, ClinGen allele CA041687.

ClinVar aggregate classification (germline): Conflicting classifications of pathogenicity. Review status: criteria provided, conflicting classifications (1 of 4 stars). 9 submissions from 7 submitters: Uncertain significance (8); Likely benign (1). Last evaluated 2025-10-13.

Conditions:
Arrhythmogenic right ventricular dysplasia 8 (ARVD8). Also called: Arrhythmogenic Right Ventricular Dysplasia/Cardiomyopathy 8; ARRHYTHMOGENIC RIGHT VENTRICULAR DYSPLASIA, FAMILIAL, 8; ARRHYTHMOGENIC RIGHT VENTRICULAR CARDIOMYOPATHY 8. Identifiers: MedGen C1843896, MONDO:0011831, OMIM 607450.
Arrhythmogenic cardiomyopathy with wooly hair and keratoderma. Also called: Carvajal syndrome; Dilated cardiomyopathy with woolly hair and keratoderma; Arrhythmogenic cardiomyopathy with woolly hair and keratoderma; PALMOPLANTAR KERATODERMA WITH LEFT VENTRICULAR CARDIOMYOPATHY AND WOOLLY HAIR. Identifiers: Orphanet 65282, MedGen C1854063, MONDO:0011581, OMIM 605676.
Cardiomyopathy (CMYO). Also called: Cardiomyopathies. Identifiers: Orphanet 167848, MedGen C0878544, MONDO:0004994, HP:0001638. Inheritance: Various modes of inheritance.
Cardiovascular phenotype. Identifiers: MedGen CN230736.
Woolly hair-skin fragility syndrome (WHSF). Identifiers: Orphanet 293165, MedGen C1843292, MONDO:0957307, OMIM 620415.
Lethal acantholytic epidermolysis bullosa (EBLA). Identifiers: Orphanet 158687, MedGen C1864826, MONDO:0012323, OMIM 609638.

Allele frequency attached by ClinVar (database versions not stated): gnomAD 0.00002; gnomAD exomes 0.00002 and 0.00001; TOPMed 0.00002; ExAC 0.00002.
gnomAD v4.1: 36 of 1,613,978 alleles (0.0022%); highest among the groups gnomAD compares: Non-Finnish European, 0.0031%; no homozygotes.

Submissions (9):

Labcorp Genetics (formerly Invitae), Labcorp
Classification: Likely benign for Arrhythmogenic cardiomyopathy with wooly hair and keratoderma; Arrhythmogenic right ventricular dysplasia 8. Last evaluated: 2025-10-13. Review status: criteria provided, single submitter. Criteria: Invitae Variant Classification Sherloc (09022015). Collection method: clinical testing. Allele origin: germline.

Ambry Genetics
Classification: Uncertain significance for Cardiovascular phenotype. Last evaluated: 2025-06-13. Review status: criteria provided, single submitter. Criteria: Ambry Variant Classification Scheme 2023. Collection method: clinical testing. Allele origin: germline.
Comment: The p.E1493A variant (also known as c.4478A>C), located in coding exon 23 of the DSP gene, results from an A to C substitution at nucleotide position 4478. The glutamic acid at codon 1493 is replaced by alanine, an amino acid with dissimilar properties. This amino acid position is highly conserved in available vertebrate species. In addition, the in silico prediction for this alteration is inconclusive. Based on the available evidence, the clinical significance of this variant remains unclear.

Blueprint Genetics
Classification: Uncertain significance. Last evaluated: 2024-10-09. Review status: criteria provided, single submitter. Criteria: ACMG Guidelines, 2015. Collection method: clinical testing. Allele origin: germline.

All of Us Research Program, National Institutes of Health
Classification: Uncertain significance for Arrhythmogenic cardiomyopathy with wooly hair and keratoderma. Last evaluated: 2024-07-10. Review status: criteria provided, single submitter. Criteria: ACMG Guidelines, 2015. Collection method: clinical testing. Allele origin: germline. Inheritance: Autosomal dominant inheritance. Observed: 7 variant alleles, 7 heterozygotes.
Comment: This missense variant replaces glutamic acid with alanine at codon 1493 of the DSP protein. Computational prediction suggests that this variant may not impact protein structure and function (internally defined REVEL score threshold <= 0.5, PMID: 27666373). To our knowledge, functional studies have not been reported for this variant. This variant has not been reported in individuals affected with cardiovascular disorders in the literature. This variant has been identified in 3/281164 chromosomes in the general population by the Genome Aggregation Database (gnomAD). The available evidence is insufficient to determine the role of this variant in disease conclusively. Therefore, this variant is classified as a Variant of Uncertain Significance.

This study involves interpretation of variants in research participants for the purpose of population health screening. Participant phenotype was not available at the time of variant classification. Additional details can be found in publication PMID: 35346344, PMCID: PMC8962531

Color Diagnostics, LLC DBA Color Health
Classification: Uncertain significance for Cardiomyopathy. Last evaluated: 2024-03-06. Review status: criteria provided, single submitter. Criteria: ACMG Guidelines, 2015. Collection method: clinical testing. Allele origin: germline.
Comment: This missense variant replaces glutamic acid with alanine at codon 1493 of the DSP protein. Computational prediction suggests that this variant may not impact protein structure and function (internally defined REVEL score threshold <= 0.5, PMID: 27666373). To our knowledge, functional studies have not been reported for this variant. This variant has not been reported in individuals affected with cardiovascular disorders in the literature. This variant has been identified in 3/281164 chromosomes in the general population by the Genome Aggregation Database (gnomAD). The available evidence is insufficient to determine the role of this variant in disease conclusively. Therefore, this variant is classified as a Variant of Uncertain Significance.

Illumina Laboratory Services, Illumina
Classification: Uncertain significance for Arrhythmogenic cardiomyopathy with wooly hair and keratoderma. Last evaluated: 2018-01-12. Review status: criteria provided, single submitter. Criteria: ICSL Variant Classification Criteria 13 December 2019. Collection method: clinical testing. Allele origin: germline.

Illumina Laboratory Services, Illumina
Classification: Uncertain significance for Lethal acantholytic epidermolysis bullosa. Last evaluated: 2018-01-12. Review status: criteria provided, single submitter. Criteria: ICSL Variant Classification Criteria 13 December 2019. Collection method: clinical testing. Allele origin: germline.

Illumina Laboratory Services, Illumina
Classification: Uncertain significance for Arrhythmogenic right ventricular dysplasia 8. Last evaluated: 2018-01-12. Review status: criteria provided, single submitter. Criteria: ICSL Variant Classification Criteria 13 December 2019. Collection method: clinical testing. Allele origin: germline.

Laboratory for Molecular Medicine, Mass General Brigham Personalized Medicine
Classification: Uncertain significance. Last evaluated: 2015-04-04. Review status: criteria provided, single submitter. Criteria: LMM Criteria. Collection method: clinical testing. Allele origin: germline. Observed: 1 variant allele.
Comment: The p.Glu1493Ala variant in DSP has not been previously reported in individuals with cardiomyopathy, but has been identified in 2/66038 European chromosomes by the Exome Aggregation Consortium (ExAC). Computa tional prediction tools and conservation analysis suggest that this variant may impact the protein, though this information is not predictive enough to determin e pathogenicity. In summary, the clinical significance of the p.Glu1493Ala varia nt is uncertain.

Literature cited by the submitters: PubMed 33500567 (cited by Ambry Genetics).